The following is an entry in ClinVar:

ClinVar aggregate classification (germline): Likely benign (1 of 4 stars; one submission).

Allele frequency attached by ClinVar (database versions not stated): gnomAD 0.00001.

Submission:

CeGaT Center for Human Genetics Tuebingen
Classification: Likely benign. Last evaluated: 2024-03-01. Review status: criteria provided, single submitter. Criteria: CeGaT Center For Human Genetics Tuebingen Variant Classification Criteria Version 2. Collection method: clinical testing. Allele origin: germline. Affected: yes. Observed: 1 variant allele.
Comment: PRR12: BP4, BP7

NM_020719.3(PRR12):c.4455A>C (p.Pro1485=)

Gene: PRR12 (proline rich 12; plus strand). Cytogenetic location: 19q13.33.
Variant type: single nucleotide variant.
Coding change: c.4455A>C on transcript NM_020719.3 (MANE Select); coding-DNA position 4455, A replaced by C.
Protein change: p.Pro1485=; no amino-acid change (proline 1485 retained).
Molecular consequence: synonymous variant.
Genome position (GRCh38, 1-based): chr19:49,601,600, A>C. VCF-style: chr19-49601600-A-C. GRCh37 (hg19) VCF-style: chr19-50104857-A-C.
Identifiers: ClinVar variation 3067481 (VCV003067481.21), dbSNP rs1599790857, ClinGen allele CA508290360.